The following is an entry in ClinVar:

NM_170707.4(LMNA):c.134A>G (p.Tyr45Cys)

Gene: LMNA (lamin A/C; plus strand). Cytogenetic location: 1q22.
Variant type: single nucleotide variant.
Coding change: c.134A>G on transcript NM_170707.4 (MANE Select); coding-DNA position 134, A replaced by G.
Protein change: p.Tyr45Cys; replaces tyrosine 45 with cysteine.
Molecular consequence: missense variant.
Genome position (GRCh38, 1-based): chr1:156,115,052, A>G. VCF-style: chr1-156115052-A-G. GRCh37 (hg19) VCF-style: chr1-156084843-A-G.
Other names: c.134A>G, p.Tyr45Cys (NM_001282625.2, NM_001282626.2, NM_005572.4 and 1 more transcripts); short protein forms Y45C.
Identifiers: ClinVar variation 66807 (VCV000066807.15), dbSNP rs58436778, ClinGen allele CA017029.
Genomic context (GRCh38, chr1:156,115,052, plus strand): 5'-GCATCACCCGGCTGCAGGAGAAGGAGGACCTGCAGGAGCTCAATGATCGCTTGGCGGTCT[A>G]CATCGACCGTGTGCGCTCGCTGGAAACGGAGAACGCAGGGCTGCGCCTTCGCATCACCGA-3'
Protein context (NP_733821.1, residues 35-55): LQELNDRLAV[Tyr45Cys]IDRVRSLETE

ClinVar aggregate classification (germline): Conflicting classifications of pathogenicity. Review status: criteria provided, conflicting classifications (1 of 4 stars). 5 submissions from 5 submitters: Pathogenic (1); Likely pathogenic (2); Uncertain significance (1). 1 of the submissions does not count toward it. Last evaluated 2023-10-04.

Conditions:
LMNA-related disorder. Also called: LMNA-related condition; LMNA-related disease; LMNA-related disorders. Identifiers: MedGen CN380145.
Charcot-Marie-Tooth disease type 2. Also called: Charcot-Marie-Tooth type 2. Identifiers: Orphanet 64746, MedGen C0270914, MONDO:0018993.
Emery-Dreifuss muscular dystrophy 2, autosomal dominant (EDMD2). Also called: Limb-girdle muscular dystrophy, type 1B; Muscular dystrophy, proximal, type 1B; MUSCULAR DYSTROPHY WITH EARLY CONTRACTURES AND CARDIOMYOPATHY, AUTOSOMAL DOMINANT; SCAPULOILIOPERONEAL ATROPHY WITH CARDIOPATHY; Benign scapuloperoneal muscular dystrophy with cardiomyopathy; LMNA-Related Emery-Dreifuss Muscular Dystrophy, Autosomal. Identifiers: Orphanet 261, Orphanet 264, MedGen C0410190, MONDO:0021569, OMIM 181350.

Submissions (5):

Labcorp Genetics (formerly Invitae), Labcorp
Classification: Pathogenic for Charcot-Marie-Tooth disease type 2. Last evaluated: 2023-10-04. Review status: criteria provided, single submitter. Criteria: Invitae Variant Classification Sherloc (09022015). Collection method: clinical testing. Allele origin: germline.
Comment: This sequence change replaces tyrosine, which is neutral and polar, with cysteine, which is neutral and slightly polar, at codon 45 of the LMNA protein (p.Tyr45Cys). This variant is not present in population databases (gnomAD no frequency). This missense change has been observed in individual(s) with autosomal dominant laminopathies (PMID: 10939567, 20848652, 23183350; Invitae). In at least one individual the variant was observed to be de novo. ClinVar contains an entry for this variant (Variation ID: 66807). Advanced modeling of protein sequence and biophysical properties (such as structural, functional, and spatial information, amino acid conservation, physicochemical variation, residue mobility, and thermodynamic stability) performed at Invitae indicates that this missense variant is expected to disrupt LMNA protein function. Experimental studies have shown that this missense change affects LMNA function (PMID: 31434876). For these reasons, this variant has been classified as Pathogenic.

Blueprint Genetics
Classification: Likely pathogenic for LMNA-related disorders. Last evaluated: 2023-07-24. Review status: criteria provided, single submitter. Criteria: ACMG Guidelines, 2015. Collection method: clinical testing. Allele origin: germline. Affected: yes. Observed: 1 variant allele.

Institute of Human Genetics Munich, TUM University Hospital
Classification: Likely pathogenic for Emery-Dreifuss muscular dystrophy 2, autosomal dominant. Last evaluated: 2021-03-15. Review status: criteria provided, single submitter. Criteria: Classification criteria August 2017. Collection method: clinical testing. Allele origin: de novo. Inheritance: Autosomal dominant inheritance. Affected: yes. Observed: 1 variant allele.

Eurofins Ntd Llc (ga)
Classification: Uncertain significance. Last evaluated: 2016-02-09. Review status: criteria provided, single submitter. Criteria: EGL Classification Definitions 2015. Collection method: clinical testing. Allele origin: germline. Observed: 2 variant alleles, 2 heterozygotes.

Epithelial Biology;  Institute of Medical Biology, Singapore
No classification provided. Review status: no classification provided. Collection method: not provided. Allele origin: not provided. Not counted in ClinVar's aggregate classification.

Literature cited by the submitters: PubMed 10939567 (cited by Labcorp Genetics (formerly Invitae), Labcorp and Eurofins Ntd Llc (ga)); PubMed 20848652 (cited by Labcorp Genetics (formerly Invitae), Labcorp and Eurofins Ntd Llc (ga)); PubMed 23183350 (cited by Labcorp Genetics (formerly Invitae), Labcorp); PubMed 31434876 (cited by Labcorp Genetics (formerly Invitae), Labcorp).